The following is an entry in ClinVar:

NM_001318777.2(TIRAP):c.510G>A (p.Gly170=)

Gene: TIRAP (TIR domain containing adaptor protein; plus strand). Cytogenetic location: 11q24.2.
Variant type: single nucleotide variant.
Coding change: c.510G>A on transcript NM_001318777.2 (MANE Select); coding-DNA position 510, G replaced by A.
Protein change: p.Gly170=; no amino-acid change (glycine 170 retained).
Molecular consequence: synonymous variant.
Genome position (GRCh38, 1-based): chr11:126,292,919, G>A. VCF-style: chr11-126292919-G-A. GRCh37 (hg19) VCF-style: chr11-126162814-G-A.
Other names: c.510G>A, p.Gly170= (NM_001039661.2, NM_001318776.2, NM_148910.3).
Identifiers: ClinVar variation 3053526 (VCV003053526.2), dbSNP rs572123088, ClinGen allele CA6354703.

ClinVar aggregate classification (germline): Likely benign (0 of 4 stars; one submission).

Conditions:
TIRAP-related disorder. Also called: TIRAP-related condition.

Allele frequency attached by ClinVar (database versions not stated): ExAC 0.00001; gnomAD exomes 0.00002; gnomAD 0.00021; 1000 Genomes Project 0.00040; TOPMed 0.00042; 1000 Genomes Project 30x 0.00047.

Submission:

PreventionGenetics, part of Exact Sciences
Classification: Likely benign for TIRAP-related condition. Last evaluated: 2019-08-26. Review status: no assertion criteria provided. Collection method: clinical testing. Allele origin: germline.
Comment: This variant is classified as likely benign based on ACMG/AMP sequence variant interpretation guidelines (Richards et al. 2015 PMID: 25741868, with internal and published modifications).